The following is an entry in ClinVar:

ClinVar aggregate classification (germline): Uncertain significance. Review status: criteria provided, multiple submitters, no conflicts (2 of 4 stars). 2 submissions from 2 submitters: Uncertain significance (2). Last evaluated 2025-09-04.

Conditions:
Deficiency of acetyl-CoA acetyltransferase. Also called: Beta-ketothiolase deficiency; MITOCHONDRIAL ACETOACETYL-CoA THIOLASE DEFICIENCY; 3-KETOTHIOLASE DEFICIENCY; 3-OXOTHIOLASE DEFICIENCY. Identifiers: Orphanet 134, MedGen C1536500, MONDO:0008760, OMIM 203750. Disease mechanism: loss of function.

Allele frequency attached by ClinVar (database versions not stated): gnomAD exomes below 0.00001.
gnomAD v4.1: 1 of 1,614,168 alleles (0.000062%); highest among the groups gnomAD compares: Admixed American, 0.0017%; no homozygotes.

Submissions (2):

Women's Health and Genetics/Laboratory Corporation of America, LabCorp
Classification: Uncertain significance. Last evaluated: 2025-09-04. Review status: criteria provided, single submitter. Criteria: LabCorp Variant Classification Summary - May 2015. Collection method: clinical testing. Allele origin: germline.
Comment: Variant summary: ACAT1 c.200T>G (p.Leu67Arg) results in a non-conservative amino acid change in the encoded protein sequence. Algorithms developed to predict the effect of missense changes on protein structure and function all suggest that this variant is likely to be disruptive. The variant allele was found at a frequency of 4e-06 in 251466 control chromosomes. The available data on variant occurrences in the general population are insufficient to allow any conclusion about variant significance. c.200T>G has been observed in individual(s) affected with Alpha-Methylacetoacetic Aciduria (Vela-Amieva_024, internal data). These data do not allow any conclusion about variant significance. To our knowledge, no experimental evidence demonstrating an impact on protein function has been reported. The following publication has been ascertained in the context of this evaluation (PMID: 39519275). ClinVar contains an entry for this variant (Variation ID: 3001092). Based on the evidence outlined above, the variant was classified as uncertain significance.

Labcorp Genetics (formerly Invitae), Labcorp
Classification: Uncertain significance for Deficiency of acetyl-CoA acetyltransferase. Last evaluated: 2023-09-20. Review status: criteria provided, single submitter. Criteria: Invitae Variant Classification Sherloc (09022015). Collection method: clinical testing. Allele origin: germline.
Comment: In summary, the available evidence is currently insufficient to determine the role of this variant in disease. Therefore, it has been classified as a Variant of Uncertain Significance. Advanced modeling of protein sequence and biophysical properties (such as structural, functional, and spatial information, amino acid conservation, physicochemical variation, residue mobility, and thermodynamic stability) performed at Invitae indicates that this missense variant is expected to disrupt ACAT1 protein function. This sequence change replaces leucine, which is neutral and non-polar, with arginine, which is basic and polar, at codon 67 of the ACAT1 protein (p.Leu67Arg). This variant is present in population databases (no rsID available, gnomAD 0.003%). This missense change has been observed in individual(s) with beta-ketothiolase deficiency (Invitae).

Literature cited by the submitters: PubMed 39519275 (cited by Women's Health and Genetics/Laboratory Corporation of America, LabCorp).

NM_000019.4(ACAT1):c.200T>G (p.Leu67Arg)

Gene: ACAT1 (acetyl-CoA acetyltransferase 1; plus strand). Cytogenetic location: 11q22.3.
Variant type: single nucleotide variant.
Coding change: c.200T>G on transcript NM_000019.4 (MANE Select); coding-DNA position 200, T replaced by G.
Protein change: p.Leu67Arg; replaces leucine 67 with arginine.
Molecular consequence: missense variant. On other transcripts: 5 prime UTR variant (10), non-coding transcript variant (2), intron variant (1).
Genome position (GRCh38, 1-based): chr11:108,133,899, T>G. VCF-style: chr11-108133899-T-G. GRCh37 (hg19) VCF-style: chr11-108004626-T-G.
Other names: c.200T>G, p.Leu67Arg (NM_001386677.1); c.-78T>G (NM_001386679.1); c.-71T>G (NM_001386681.1, NM_001386682.1, NM_001386685.1 and 6 more transcripts); c.120+1945T>G (NM_001386678.1); short protein forms L67R.
Identifiers: ClinVar variation 3001092 (VCV003001092.4), dbSNP rs1425401797, ClinGen allele CA382506368.
Genomic context (GRCh38, chr11:108,133,899, plus strand): 5'-CTACAAGAACACCCATTGGATCTTTTTTAGGCAGCCTTTCCTTGCTGCCAGCCACTAAGC[T>G]TGGTTCCATTGCAATTCAGGGAGCCATTGAAAAGGCAGGTCAGTAGTTACTTGGCTTTTT-3'
Protein context (NP_000010.1, residues 57-77): GSLSLLPATK[Leu67Arg]GSIAIQGAIE